The following is an entry in ClinVar:

ClinVar aggregate classification (germline): Uncertain significance. Review status: criteria provided, multiple submitters, no conflicts (2 of 4 stars). 2 submissions from 2 submitters: Uncertain significance (2). Last evaluated 2024-12-20.

Conditions:
Inborn genetic diseases. Identifiers: MedGen C0950123, MeSH D030342.

gnomAD v4.1: 35 of 1,613,044 alleles (0.0022%); highest among the groups gnomAD compares: Non-Finnish European, 0.0028%; no homozygotes.

Submissions (2):

Ambry Genetics
Classification: Uncertain significance for Inborn genetic diseases. Last evaluated: 2024-12-20. Review status: criteria provided, single submitter. Criteria: Ambry Variant Classification Scheme 2023. Collection method: clinical testing. Allele origin: germline.

Labcorp Genetics (formerly Invitae), Labcorp
Classification: Uncertain significance. Last evaluated: 2024-11-16. Review status: criteria provided, single submitter. Criteria: Invitae Variant Classification Sherloc (09022015). Collection method: clinical testing. Allele origin: germline.
Comment: This sequence change replaces phenylalanine, which is neutral and non-polar, with leucine, which is neutral and non-polar, at codon 2052 of the VPS13A protein (p.Phe2052Leu). This variant is present in population databases (rs778991121, gnomAD 0.003%). This variant has not been reported in the literature in individuals affected with VPS13A-related conditions. Invitae Evidence Modeling of protein sequence and biophysical properties (such as structural, functional, and spatial information, amino acid conservation, physicochemical variation, residue mobility, and thermodynamic stability) indicates that this missense variant is expected to disrupt VPS13A protein function with a positive predictive value of 80%. In summary, the available evidence is currently insufficient to determine the role of this variant in disease. Therefore, it has been classified as a Variant of Uncertain Significance.

NM_033305.3(VPS13A):c.6156T>G (p.Phe2052Leu)

Gene: VPS13A (vacuolar protein sorting 13 homolog A; plus strand). Cytogenetic location: 9q21.2.
Variant type: single nucleotide variant.
Coding change: c.6156T>G on transcript NM_033305.3 (MANE Select); coding-DNA position 6156, T replaced by G.
Protein change: p.Phe2052Leu; replaces phenylalanine 2052 with leucine.
Molecular consequence: missense variant.
Genome position (GRCh38, 1-based): chr9:77,337,315, T>G. VCF-style: chr9-77337315-T-G. GRCh37 (hg19) VCF-style: chr9-79952231-T-G.
Other names: c.6039T>G, p.Phe2013Leu (NM_001018037.2); c.6156T>G, p.Phe2052Leu (NM_001018038.3, NM_015186.4); c.6156T>G (NM_033305.2); short protein forms F2013L, F2052L.
Identifiers: ClinVar variation 3615787 (VCV003615787.2).